The following is an entry in ClinVar:

NM_004446.3(EPRS1):c.2677C>A (p.Pro893Thr)

Gene: EPRS1 (glutamyl-prolyl-tRNA synthetase 1; minus strand). Cytogenetic location: 1q41.
Variant type: single nucleotide variant.
Coding change: c.2677C>A on transcript NM_004446.3 (MANE Select); coding-DNA position 2677, C replaced by A.
Protein change: p.Pro893Thr; replaces proline 893 with threonine.
Molecular consequence: missense variant.
Genome position (GRCh38, 1-based): chr1:219,988,688, G>T on the plus strand (C>A on the coding strand, the complement: EPRS1 is on the minus strand). VCF-style: chr1-219988688-G-T. GRCh37 (hg19) VCF-style: chr1-220162030-G-T.
Other names: c.2677C>A (NM_004446.2); short protein forms P893T.
Identifiers: ClinVar variation 1089756 (VCV001089756.10), dbSNP rs147971538, ClinGen allele CA1399912.
Genomic context (GRCh38, chr1:219,988,688, plus strand): 5'-CCCCTTGAGAAGCTACTTTGTCAAAAAGTACTTTCGCTTCTGGTGTTTCTAAACCAGCAG[G>T]TTCAGAATTTCTGGTTGGGCTTGAATCCGAACTTTGAGATAATGGGGGCTGACCAGGTAT-3'
Protein context (NP_004437.2, residues 883-903): SDSSPTRNSE[Pro893Thr]AGLETPEAKV

ClinVar aggregate classification (germline): Conflicting classifications of pathogenicity. Review status: criteria provided, conflicting classifications (1 of 4 stars). 2 submissions from 2 submitters: Uncertain significance (1); Likely benign (1). Last evaluated 2025-06-13.

Allele frequency attached by ClinVar (database versions not stated): ExAC 0.00014; 1000 Genomes Project 0.00060; gnomAD 0.00067 and 0.00071; ESP Exome Variant Server 0.00077; 1000 Genomes Project 30x 0.00094.
gnomAD v4.1: 230 of 1,613,876 alleles (0.014%); highest among the groups gnomAD compares: African/African-American, 0.24%; no homozygotes.

Submissions (2):

Labcorp Genetics (formerly Invitae), Labcorp
Classification: Likely benign. Last evaluated: 2025-06-13. Review status: criteria provided, single submitter. Criteria: Invitae Variant Classification Sherloc (09022015). Collection method: clinical testing. Allele origin: germline.

GeneDx
Classification: Uncertain significance. Last evaluated: 2022-03-22. Review status: criteria provided, single submitter. Criteria: GeneDx Variant Classification Process June 2021. Collection method: clinical testing. Allele origin: germline. Affected: yes.
Comment: In silico analysis supports that this missense variant does not alter protein structure/function; Has not been previously published as pathogenic or benign to our knowledge; Variants in candidate genes are classified as variants of uncertain significance in accordance with ACMG guidelines (Richards et al., 2015)